The following is an entry in ClinVar:

ClinVar aggregate classification (germline): Uncertain significance (1 of 4 stars; one submission).

Conditions:
Dilated cardiomyopathy 1KK (CMD1KK). Identifiers: Orphanet 154, Orphanet 75249, MedGen C3714995, MONDO:0014100, OMIM 615248.

Submission:

Labcorp Genetics (formerly Invitae), Labcorp
Classification: Uncertain significance for Dilated cardiomyopathy 1KK. Last evaluated: 2020-10-09. Review status: criteria provided, single submitter. Criteria: Invitae Variant Classification Sherloc (09022015). Collection method: clinical testing. Allele origin: germline.
Comment: This variant results in a copy number gain of the genomic region encompassing the full coding sequence of the MYPN gene. The boundaries of this event are unknown as they extend beyond the assayed region for this gene and therefore may encompass additional genes. As the precise location of this event is unknown, it may be in tandem or it may be located elsewhere in the genome. This variant has not been reported in the literature in individuals with MYPN-related conditions. Experimental studies and prediction algorithms are not available or were not evaluated, and the functional significance of this variant is currently unknown. In summary, the available evidence is currently insufficient to determine the role of this variant in disease. Therefore, it has been classified as a Variant of Uncertain Significance.

NC_000010.10:g.(?_69881176)_(69970232_?)dup

Gene: MYPN (myopalladin; plus strand). Cytogenetic location: 10q21.3.
Variant type: Duplication.
Identifiers: ClinVar variation 1036772 (VCV001036772.2).